The following is an entry in ClinVar:

ClinVar aggregate classification (germline): Uncertain significance (1 of 4 stars; one submission).

Allele frequency attached by ClinVar (database versions not stated): gnomAD exomes below 0.00001.

Submission:

GeneDx
Classification: Uncertain significance. Last evaluated: 2023-03-17. Review status: criteria provided, single submitter. Criteria: GeneDx Variant Classification Process June 2021. Collection method: clinical testing. Allele origin: germline. Affected: yes.
Comment: Has not been previously published as pathogenic or benign to our knowledge; In silico analysis supports that this missense variant has a deleterious effect on protein structure/function; Not observed at significant frequency in large population cohorts (gnomAD)

NM_021098.3(CACNA1H):c.5230C>G (p.Gln1744Glu)

Gene: CACNA1H (calcium voltage-gated channel subunit alpha1 H; plus strand). Cytogenetic location: 16p13.3.
Variant type: single nucleotide variant.
Coding change: c.5230C>G on transcript NM_021098.3 (MANE Select); coding-DNA position 5230, C replaced by G.
Protein change: p.Gln1744Glu; replaces glutamine 1744 with glutamic acid.
Molecular consequence: missense variant.
Genome position (GRCh38, 1-based): chr16:1,215,579, C>G. VCF-style: chr16-1215579-C-G. GRCh37 (hg19) VCF-style: chr16-1265579-C-G.
Other names: c.5212C>G, p.Gln1738Glu (NM_001005407.2); short protein forms Q1738E, Q1744E.
Identifiers: ClinVar variation 1695746 (VCV001695746.3), dbSNP rs1435317657, ClinGen allele CA394146692.